The following is an entry in ClinVar:

NM_001378452.1(ITPR1):c.195C>G (p.Arg65=)

Gene: ITPR1 (inositol 1,4,5-trisphosphate receptor type 1; plus strand). Cytogenetic location: 3p26.1.
Variant type: single nucleotide variant.
Coding change: c.195C>G on transcript NM_001378452.1 (MANE Select); coding-DNA position 195, C replaced by G.
Protein change: p.Arg65=; no amino-acid change (arginine 65 retained).
Molecular consequence: synonymous variant.
Genome position (GRCh38, 1-based): chr3:4,627,794, C>G. VCF-style: chr3-4627794-C-G. GRCh37 (hg19) VCF-style: chr3-4669478-C-G.
Other names: c.195C>G, p.Arg65= (NM_001099952.4, NM_001168272.2, NM_002222.7).
Identifiers: ClinVar variation 345544 (VCV000345544.40), dbSNP rs563347395, ClinGen allele CA2230829.
Genomic context (GRCh38, chr3:4,627,794, plus strand): 5'-CAATTTCTGTTTGTTTGCTTCACTTCTAGACTGCCTCTTTAAGCTATGTCCCATGAACCG[C>G]TACTCTGCCCAAAAGCAGTTCTGGAAAGCCGCTAAGCCTGGGGCCAACAGCACCACAGAC-3'
Protein context (NP_001365381.1, residues 55-75): DCLFKLCPMN[Arg65=]YSAQKQFWKA

ClinVar aggregate classification (germline): Benign. Review status: criteria provided, multiple submitters, no conflicts (2 of 4 stars). 7 submissions from 7 submitters: Benign (6). 1 of the submissions does not count toward it. Last evaluated 2026-01-28.

Conditions:
ITPR1-related disorder. Also called: ITPR1-related condition.
Autosomal dominant cerebellar ataxia. Also called: Spinocerebellar Ataxia, Dominant. Identifiers: Orphanet 99, MedGen C4087347, MONDO:0020380.

Allele frequency attached by ClinVar (database versions not stated): gnomAD 0.00002 and 0.00050; TOPMed 0.00007; gnomAD exomes 0.00097 and 0.00188; ExAC 0.00195; 1000 Genomes Project 0.00419; 1000 Genomes Project 30x 0.00422.
gnomAD v4.1: 1,473 of 1,613,640 alleles (0.091%); highest among the groups gnomAD compares: South Asian, 1.5%; 33 homozygotes.

Submissions (7):

Labcorp Genetics (formerly Invitae), Labcorp
Classification: Benign. Last evaluated: 2026-01-28. Review status: criteria provided, single submitter. Criteria: Invitae Variant Classification Sherloc (09022015). Collection method: clinical testing. Allele origin: germline.

CeGaT Center for Human Genetics Tuebingen
Classification: Benign. Last evaluated: 2023-12-01. Review status: criteria provided, single submitter. Criteria: CeGaT Center For Human Genetics Tuebingen Variant Classification Criteria Version 2. Collection method: clinical testing. Allele origin: germline. Affected: yes. Observed: 2 variant alleles.
Comment: ITPR1: BP4, BP7, BS1, BS2

GeneDx
Classification: Benign. Last evaluated: 2021-04-16. Review status: criteria provided, single submitter. Criteria: GeneDx Variant Classification Process June 2021. Collection method: clinical testing. Allele origin: germline. Affected: yes.

Athena Diagnostics
Classification: Benign. Last evaluated: 2020-11-27. Review status: criteria provided, single submitter. Criteria: Athena Diagnostics criteria. Collection method: clinical testing. Allele origin: unknown.

Illumina Laboratory Services, Illumina
Classification: Benign for Spinocerebellar Ataxia, Dominant. Last evaluated: 2018-01-12. Review status: criteria provided, single submitter. Criteria: ICSL Variant Classification Criteria 13 December 2019. Collection method: clinical testing. Allele origin: germline.
Comment: This variant was observed in the ICSL laboratory as part of a predisposition screen in an ostensibly healthy population. It had not been previously curated by ICSL or reported in the Human Gene Mutation Database (HGMD: prior to June 1st, 2018), and was therefore a candidate for classification through an automated scoring system. Utilizing variant allele frequency, disease prevalence and penetrance estimates, and inheritance mode, an automated score was calculated to assess if this variant is too frequent to cause the disease. Based on the score and internal cut-off values, a variant classified as benign is not then subjected to further curation. The score for this variant resulted in a classification of benign for this disease.

Breakthrough Genomics
Classification: Benign. Review status: criteria provided, single submitter. Criteria: ACMG Guidelines, 2015. Collection method: not provided. Allele origin: germline. Inheritance: Autosomal dominant inheritance. Affected: yes.

PreventionGenetics, part of Exact Sciences
Classification: Benign for ITPR1-related condition. Last evaluated: 2024-04-23. Review status: no assertion criteria provided. Collection method: clinical testing. Allele origin: germline. Not counted in ClinVar's aggregate classification.
Comment: This variant is classified as benign based on ACMG/AMP sequence variant interpretation guidelines (Richards et al. 2015 PMID: 25741868, with internal and published modifications).